The following is an entry in ClinVar:

NM_016023.5(OTUD6B):c.776C>G (p.Ser259Ter)

Gene: OTUD6B (OTU deubiquitinase 6B; plus strand). Cytogenetic location: 8q21.3.
Variant type: single nucleotide variant.
Coding change: c.776C>G on transcript NM_016023.5 (MANE Select); coding-DNA position 776, C replaced by G.
Protein change: p.Ser259Ter; replaces serine 259 with a stop codon.
Molecular consequence: nonsense.
Genome position (GRCh38, 1-based): chr8:91,084,093, C>G. VCF-style: chr8-91084093-C-G. GRCh37 (hg19) VCF-style: chr8-92096321-C-G.
Other names: c.473C>G, p.Ser158Ter (NM_001286745.3); c.695C>G, p.Ser232Ter (NM_001416022.1); short protein forms S158*, S232*, S259*.
Identifiers: ClinVar variation 3342804 (VCV003342804.1).

ClinVar aggregate classification (germline): Pathogenic (1 of 4 stars; one submission).

gnomAD v4.1: 1 of 1,546,196 alleles (0.000065%); highest among the groups gnomAD compares: Admixed American, 0.0019%; no homozygotes.

Submission:

GeneDx
Classification: Pathogenic. Last evaluated: 2023-12-21. Review status: criteria provided, single submitter. Criteria: GeneDx Variant Classification Process June 2021. Collection method: clinical testing. Allele origin: germline. Affected: yes.
Comment: Nonsense variant predicted to result in protein truncation, as the last 35 amino acids are lost, and other loss-of-function variants have been reported downstream in HGMD; Not observed at significant frequency in large population cohorts (gnomAD); Has not been previously published as pathogenic or benign to our knowledge